The following is an entry in ClinVar:

ClinVar aggregate classification (germline): Likely benign. Review status: criteria provided, multiple submitters, no conflicts (2 of 4 stars). 3 submissions from 3 submitters: Likely benign (3). Last evaluated 2025-09-22.

Conditions:
POLE-related polyposis and colorectal cancer syndrome. Identifiers: MedGen CN324030, MONDO:0100287.

Allele frequency attached by ClinVar (database versions not stated): gnomAD exomes below 0.00001 and 0.00001; gnomAD 0.00001; TOPMed 0.00001.
gnomAD v4.1: 8 of 1,613,210 alleles (0.0005%); highest among the groups gnomAD compares: Non-Finnish European, 0.00068%; no homozygotes.

Submissions (3):

Labcorp Genetics (formerly Invitae), Labcorp
Classification: Likely benign. Last evaluated: 2025-09-22. Review status: criteria provided, single submitter. Criteria: Invitae Variant Classification Sherloc (09022015). Collection method: clinical testing. Allele origin: germline.

Department of Pathology and Laboratory Medicine, Sinai Health System
Classification: Likely benign for POLE-related polyposis and colorectal cancer syndrome. Last evaluated: 2022-11-09. Review status: criteria provided, single submitter. Criteria: ACMG Guidelines, 2015. Collection method: clinical testing. Allele origin: germline. Affected: no.

GeneDx
Classification: Likely benign. Last evaluated: 2018-04-02. Review status: criteria provided, single submitter. Criteria: GeneDx Variant Classification (06012015). Collection method: clinical testing. Allele origin: germline. Affected: yes.
Comment: This variant is considered likely benign or benign based on one or more of the following criteria: it is a conservative change, it occurs at a poorly conserved position in the protein, it is predicted to be benign by multiple in silico algorithms, and/or has population frequency not consistent with disease.

NM_006231.4(POLE):c.5553-7T>C

Gene: POLE (DNA polymerase epsilon, catalytic subunit; minus strand). Cytogenetic location: 12q24.33.
Variant type: single nucleotide variant.
Coding change: c.5553-7T>C on transcript NM_006231.4 (MANE Select); 7 bases into the intron before coding-DNA position 5553, T replaced by C.
Molecular consequence: intron variant.
Genome position (GRCh38, 1-based): chr12:132,638,146, A>G on the plus strand (T>C on the coding strand, the complement: POLE is on the minus strand). VCF-style: chr12-132638146-A-G. GRCh37 (hg19) VCF-style: chr12-133214732-A-G.
Identifiers: ClinVar variation 669046 (VCV000669046.11), dbSNP rs1383470676, ClinGen allele CA608266977.
Genomic context (GRCh38, chr12:132,638,146, plus strand): 5'-TTGAAGTTGGCGTAGATGACTGATGACCCCAGGCGCTTGAACTCAGCGATGAGCCTGTGG[A>G]GCAAGTTGAGAGTCCGTGGTGGAGACGCCACAGTCATGGAGAGCCAGAGGGCACCCAGAA-3'